The following is an entry in ClinVar:

NM_021098.3(CACNA1H):c.5494C>G (p.Leu1832Val)

Gene: CACNA1H (calcium voltage-gated channel subunit alpha1 H; plus strand). Cytogenetic location: 16p13.3.
Variant type: single nucleotide variant.
Coding change: c.5494C>G on transcript NM_021098.3 (MANE Select); coding-DNA position 5494, C replaced by G.
Protein change: p.Leu1832Val; replaces leucine 1832 with valine.
Molecular consequence: missense variant.
Genome position (GRCh38, 1-based): chr16:1,218,258, C>G. VCF-style: chr16-1218258-C-G. GRCh37 (hg19) VCF-style: chr16-1268258-C-G.
Other names: c.5494C>G (NM_021098.2); c.5476C>G, p.Leu1826Val (NM_001005407.2); short protein forms L1832V, L1826V.
Identifiers: ClinVar variation 1381746 (VCV001381746.7), dbSNP rs61732194, ClinGen allele CA394147300.

ClinVar aggregate classification (germline): Uncertain significance. Review status: criteria provided, multiple submitters, no conflicts (2 of 4 stars). 2 submissions from 2 submitters: Uncertain significance (2). Last evaluated 2024-07-24.

Conditions:
Inborn genetic diseases. Identifiers: MedGen C0950123, MeSH D030342.
Idiopathic generalized epilepsy. Also called: Generalised epilepsy; EIG. Identifiers: MedGen C0270850, MONDO:0005579, OMIM 600669.
Hyperaldosteronism, familial, type IV (HALD4). Also called: FH IV; ALDOSTERONISM, PRIMARY, AND HYPERTENSION. Identifiers: Orphanet 642671, MedGen C4310756, MONDO:0014875, OMIM 617027.

Submissions (2):

Labcorp Genetics (formerly Invitae), Labcorp
Classification: Uncertain significance for Idiopathic generalized epilepsy; Hyperaldosteronism, familial, type IV. Last evaluated: 2024-07-24. Review status: criteria provided, single submitter. Criteria: Invitae Variant Classification Sherloc (09022015). Collection method: clinical testing. Allele origin: germline.
Comment: This sequence change replaces leucine, which is neutral and non-polar, with valine, which is neutral and non-polar, at codon 1832 of the CACNA1H protein (p.Leu1832Val). This variant is present in population databases (no rsID available, gnomAD 0.004%). This variant has not been reported in the literature in individuals affected with CACNA1H-related conditions. ClinVar contains an entry for this variant (Variation ID: 1381746). Advanced modeling of protein sequence and biophysical properties (such as structural, functional, and spatial information, amino acid conservation, physicochemical variation, residue mobility, and thermodynamic stability) performed at Invitae indicates that this missense variant is not expected to disrupt CACNA1H protein function with a negative predictive value of 80%. In summary, the available evidence is currently insufficient to determine the role of this variant in disease. Therefore, it has been classified as a Variant of Uncertain Significance.

Ambry Genetics
Classification: Uncertain significance for Inborn genetic diseases. Last evaluated: 2023-12-28. Review status: criteria provided, single submitter. Criteria: Ambry Variant Classification Scheme 2023. Collection method: clinical testing. Allele origin: germline.